The following is an entry in ClinVar:

NM_000090.4(COL3A1):c.1846C>A (p.Pro616Thr)

Gene: COL3A1 (collagen type III alpha 1 chain; plus strand). Cytogenetic location: 2q32.2.
Variant type: single nucleotide variant.
Coding change: c.1846C>A on transcript NM_000090.4 (MANE Select); coding-DNA position 1846, C replaced by A.
Protein change: p.Pro616Thr; replaces proline 616 with threonine.
Molecular consequence: missense variant.
Genome position (GRCh38, 1-based): chr2:188,997,366, C>A. VCF-style: chr2-188997366-C-A. GRCh37 (hg19) VCF-style: chr2-189862092-C-A.
Other names: short protein forms P616T.
Identifiers: ClinVar variation 4757433 (VCV004757433.1).
Genomic context (GRCh38, chr2:188,997,366, plus strand): 5'-TTCTACTTCCCTAACTGTTCTTGTTTTTAGGGTCCTCCTGGAAAGAATGGTGAAACTGGA[C>A]CTCAGGGACCCCCAGGGCCTACTGTAAGTTCACTCATATAAAATTGGAGATGAAAATAGG-3'
Protein context (NP_000081.2, residues 606-626): GPPGKNGETG[Pro616Thr]QGPPGPTGPG

ClinVar aggregate classification (germline): Uncertain significance (1 of 4 stars; one submission).

Conditions:
Familial thoracic aortic aneurysm and aortic dissection (TAAD). Also called: Thoracic aortic aneurysms and dissections. Identifiers: Orphanet 91387, MedGen C4707243, MONDO:0019625.

Submission:

Color Diagnostics, LLC DBA Color Health
Classification: Uncertain significance for Familial thoracic aortic aneurysm and aortic dissection. Last evaluated: 2025-06-30. Review status: criteria provided, single submitter. Criteria: ACMG Guidelines, 2015. Collection method: clinical testing. Allele origin: germline.
Comment: This missense variant replaces proline with threonine at codon 616 of the COL3A1 protein. Computational prediction suggests that this variant may not impact protein structure and function. To our knowledge, functional studies have not been reported for this variant. This variant has not been reported in individuals affected with COL3A1-related disorders in the literature. This variant has not been identified in the general population by the Genome Aggregation Database (gnomAD). The available evidence is insufficient to determine the role of this variant in disease conclusively. Therefore, this variant is classified as a Variant of Uncertain Significance.